The following is an entry in ClinVar:

ClinVar aggregate classification (germline): Pathogenic. Review status: criteria provided, multiple submitters, no conflicts (2 of 4 stars). 3 submissions from 3 submitters: Pathogenic (2). 1 of the submissions does not count toward it. Last evaluated 2025-12-12.

Conditions:
Walker-Warburg congenital muscular dystrophy. Also called: Muscular dystrophy-dystroglycanopathy, type A; Walker-Warburg syndrome. Identifiers: Orphanet 899, MedGen C0265221, MONDO:0000171.
Muscular dystrophy-dystroglycanopathy (congenital with brain and eye anomalies), type a, 10 (MDDGA10). Also called: WALKER-WARBURG SYNDROME OR MUSCLE-EYE-BRAIN DISEASE, TMEM5-RELATED. Identifiers: Orphanet 899, MedGen C3554381, MONDO:0014022, OMIM 615041.

Allele frequency attached by ClinVar (database versions not stated): gnomAD 0.00001; TOPMed 0.00001.
gnomAD v4.1: 31 of 1,613,132 alleles (0.0019%); highest among the groups gnomAD compares: Non-Finnish European, 0.0021%; no homozygotes.

Submissions (3):

Labcorp Genetics (formerly Invitae), Labcorp
Classification: Pathogenic. Last evaluated: 2025-12-12. Review status: criteria provided, single submitter. Criteria: Invitae Variant Classification Sherloc (09022015). Collection method: clinical testing. Allele origin: germline.
Comment: This sequence change creates a premature translational stop signal (p.Arg340*) in the RXYLT1 gene. While this is not anticipated to result in nonsense mediated decay, it is expected to disrupt the last 104 amino acid(s) of the RXYLT1 protein. This variant is present in population databases (rs397514695, gnomAD 0.003%). This premature translational stop signal has been observed in individual(s) with Walker-Warburg syndrome (PMID: 23519211). ClinVar contains an entry for this variant (Variation ID: 50606). Algorithms developed to predict the effect of variants on gene product structure and function are not available or were not evaluated for this variant. Experimental studies have shown that this premature translational stop signal affects RXYLT1 function (PMID: 23519211). This variant disrupts a region of the RXYLT1 protein in which other variant(s) (p.Asp355Valfs*33) have been determined to be pathogenic (PMID: 23217329). This suggests that this is a clinically significant region of the protein, and that variants that disrupt it are likely to be disease-causing. For these reasons, this variant has been classified as Pathogenic.

Laboratory for Molecular Medicine, Mass General Brigham Personalized Medicine
Classification: Pathogenic for Walker-Warburg congenital muscular dystrophy. Last evaluated: 2015-02-06. Review status: criteria provided, single submitter. Criteria: ACMG Guidelines, 2015. Collection method: clinical testing. Allele origin: germline. Inheritance: Autosomal recessive inheritance.
Comment: The p.Arg340X variant in TMEM5 has been reported in homozygosity in 1 individual with clinical features of Walker-Warburg syndrome (Jae 2013). This variant has been identified in 2/66,736 (~0%) of European chromosomes by the Exome Aggregation Consortium (ExAC; dbSNP rs397514695). This nonsense variant leads to a premature termination codon at position 340. This alteration occurs within the last exon and is most likely to escape nonsense mediated decay (NMD) and result in a truncated protein. In vitro functional studies provide some evidence that the p.Arg340X variant may impact protein function (Jae 2013). In addition, the absence of over 100 amino acids from the protein is likely to impact its stability and/or function. Homozygous or compound heterozygous loss of function of TMEM5 has been shown to cause congenital muscular dystrophy-dystroglycanopathy with brain and eye anomalies. In summary, this variant meets our criteria to be classified as pathogenic for dystroglycanopathy in an autosomal recessive manner.

OMIM
Classification: Pathogenic for MUSCULAR DYSTROPHY-DYSTROGLYCANOPATHY (CONGENITAL WITH BRAIN AND EYE ANOMALIES), TYPE A, 10. Last evaluated: 2013-04-26. Review status: no assertion criteria provided. Collection method: literature only. Allele origin: germline. Not counted in ClinVar's aggregate classification.

Literature cited by the submitters: PubMed 23519211 (cited by 3 submitters); PubMed 23217329 (cited by Labcorp Genetics (formerly Invitae), Labcorp).

NM_014254.3(RXYLT1):c.1018C>T (p.Arg340Ter)

Gene: RXYLT1 (ribitol xylosyltransferase 1; plus strand). Cytogenetic location: 12q14.2.
Variant type: single nucleotide variant.
Coding change: c.1018C>T on transcript NM_014254.3 (MANE Select); coding-DNA position 1018, C replaced by T.
Protein change: p.Arg340Ter; replaces arginine 340 with a stop codon.
Molecular consequence: nonsense.
Genome position (GRCh38, 1-based): chr12:63,808,778, C>T. VCF-style: chr12-63808778-C-T. GRCh37 (hg19) VCF-style: chr12-64202558-C-T.
Other names: c.238C>T, p.Arg80Ter (NM_001278237.2); short protein forms R340*, R80*.
Identifiers: ClinVar variation 50606 (VCV000050606.6), dbSNP rs397514695, ClinGen allele CA143775.